The following is an entry in ClinVar:

NM_012082.4(ZFPM2):c.1595G>T (p.Ser532Ile)

Genes: ZFPM2 (zinc finger protein, FOG family member 2; plus strand), ZFPM2-AS1 (ZFPM2 antisense RNA 1; minus strand). Cytogenetic location: 8q23.1.
Variant type: single nucleotide variant.
Coding change: c.1595G>T on transcript NM_012082.4 (MANE Select); coding-DNA position 1595, G replaced by T.
Protein change: p.Ser532Ile; replaces serine 532 with isoleucine.
Molecular consequence: missense variant.
Genome position (GRCh38, 1-based): chr8:105,801,677, G>T. VCF-style: chr8-105801677-G-T. GRCh37 (hg19) VCF-style: chr8-106813905-G-T.
Other names: c.1436G>T, p.Ser479Ile (NM_001362836.2); c.1199G>T, p.Ser400Ile (NM_001362837.2); short protein forms S532I, S400I, S479I.
Identifiers: ClinVar variation 5002081 (VCV005002081.1).

ClinVar aggregate classification (germline): Uncertain significance (1 of 4 stars; one submission).

Conditions:
ZFPM2-related disorder. Also called: ZFPM2-related condition.

Submission:

PreventionGenetics, part of Exact Sciences
Classification: Uncertain significance for ZFPM2-related condition. Last evaluated: 2025-04-21. Review status: criteria provided, single submitter. Criteria: ACMG Guidelines, 2015. Collection method: clinical testing. Allele origin: germline.
Comment: The ZFPM2 c.1595G>T variant is predicted to result in the amino acid substitution p.Ser532Ile. To our knowledge, this variant has not been reported in the literature or in a large population database (gnomAD), indicating this variant is rare. At this time, the clinical significance of this variant is uncertain due to the absence of conclusive functional and genetic evidence.